The following is an entry in ClinVar:

ClinVar aggregate classification (germline): Uncertain significance. Review status: criteria provided, multiple submitters, no conflicts (2 of 4 stars). 3 submissions from 3 submitters: Uncertain significance (3). Last evaluated 2026-01-23.

Conditions:
Familial melanoma. Also called: Hereditary melanoma; Hereditary cutaneous melanoma. Identifiers: Orphanet 618, MedGen C1512419, MONDO:0018961.
Hereditary cancer-predisposing syndrome. Also called: Neoplastic Syndromes, Hereditary; Tumor predisposition; Hereditary Cancer Syndrome; Hereditary neoplastic syndrome. Identifiers: Orphanet 140162, MedGen C0027672, MeSH D009386, MONDO:0015356.

Allele frequency attached by ClinVar (database versions not stated): ExAC 0.00003; gnomAD 0.00003; TOPMed 0.00003; ESP Exome Variant Server 0.00008.

Submissions (3):

Labcorp Genetics (formerly Invitae), Labcorp
Classification: Uncertain significance for Familial melanoma. Last evaluated: 2026-01-23. Review status: criteria provided, single submitter. Criteria: Invitae Variant Classification Sherloc (09022015). Collection method: clinical testing. Allele origin: germline.
Comment: This sequence change replaces arginine, which is basic and polar, with cysteine, which is neutral and slightly polar, at codon 246 of the CDK4 protein (p.Arg246Cys). This variant is present in population databases (rs370258992, gnomAD 0.007%). This missense change has been observed in individual(s) with clinical features of CDK4-related conditions (PMID: 21520333). ClinVar contains an entry for this variant (Variation ID: 141602). Invitae Evidence Modeling of protein sequence and biophysical properties (such as structural, functional, and spatial information, amino acid conservation, physicochemical variation, residue mobility, and thermodynamic stability) indicates that this missense variant is not expected to disrupt CDK4 protein function with a negative predictive value of 95%. In summary, the available evidence is currently insufficient to determine the role of this variant in disease. Therefore, it has been classified as a Variant of Uncertain Significance.

Ambry Genetics
Classification: Uncertain significance for Hereditary cancer-predisposing syndrome. Last evaluated: 2025-05-25. Review status: criteria provided, single submitter. Criteria: Ambry Variant Classification Scheme 2023. Collection method: clinical testing. Allele origin: germline.
Comment: The p.R246C variant (also known as c.736C>T), located in coding exon 6 of the CDK4 gene, results from a C to T substitution at nucleotide position 736. The arginine at codon 246 is replaced by cysteine, an amino acid with highly dissimilar properties. Based on one study that performed computational molecular modeling, this alterations is predicted to impact the structure and thermodynamics of the CDK4 protein (Nagasundaram N, et al. PLoS ONE 2015; 10(8):e0133969). This amino acid position is well conserved in available vertebrate species. In addition, the in silico prediction for this alteration is inconclusive. Based on the available evidence, the clinical significance of this alteration remains unclear.

GeneDx
Classification: Uncertain significance. Last evaluated: 2023-05-26. Review status: criteria provided, single submitter. Criteria: GeneDx Variant Classification Process June 2021. Collection method: clinical testing. Allele origin: germline. Affected: yes.
Comment: In silico analysis supports that this missense variant has a deleterious effect on protein structure/function; Has not been previously published as pathogenic or benign to our knowledge; This variant is associated with the following publications: (PMID: 21520333, 26252490)

Literature cited by the submitters: PubMed 21520333 (cited by Labcorp Genetics (formerly Invitae), Labcorp); PubMed 26252490 (cited by Ambry Genetics).

NM_000075.4(CDK4):c.736C>T (p.Arg246Cys)

Genes: CDK4 (cyclin dependent kinase 4; minus strand), TSPAN31 (tetraspanin 31; plus strand). Cytogenetic location: 12q14.1.
Variant type: single nucleotide variant.
Coding change: c.736C>T on transcript NM_000075.4 (MANE Select); coding-DNA position 736, C replaced by T.
Protein change: p.Arg246Cys; replaces arginine 246 with cysteine.
Molecular consequence: missense variant. On other transcripts: 3 prime UTR variant (3).
Genome position (GRCh38, 1-based): chr12:57,749,265, G>A on the plus strand (C>T on the coding strand, the complement: CDK4 is on the minus strand). VCF-style: chr12-57749265-G-A. GRCh37 (hg19) VCF-style: chr12-58143048-G-A.
Other names: c.*1975G>A (NM_001330168.2, NM_001330169.2, NM_005981.5); short protein forms R246C.
Identifiers: ClinVar variation 141602 (VCV000141602.17), dbSNP rs370258992, ClinGen allele CA165911.